The following is an entry in ClinVar:

ClinVar aggregate classification (germline): Uncertain significance (1 of 4 stars; one submission).

Conditions:
Atrial fibrillation, familial, 7 (ATFB7). Identifiers: MedGen C2677106, MONDO:0012828, OMIM 612240.

Submission:

Labcorp Genetics (formerly Invitae), Labcorp
Classification: Uncertain significance for Atrial fibrillation, familial, 7. Last evaluated: 2020-11-20. Review status: criteria provided, single submitter. Criteria: Invitae Variant Classification Sherloc (09022015). Collection method: clinical testing. Allele origin: germline.
Comment: This variant has not been reported in the literature in individuals with KCNA5-related conditions. In summary, the available evidence is currently insufficient to determine the role of this variant in disease. Therefore, it has been classified as a Variant of Uncertain Significance. Experimental studies and prediction algorithms are not available or were not evaluated, and the functional significance of this variant is currently unknown. The frequency data for this variant in the population databases is considered unreliable, as metrics indicate insufficient coverage at this position in the ExAC database. This variant, c.33_35dup, results in the insertion of 1 amino acid(s) to the KCNA5 protein (p.Gly12dup), but otherwise preserves the integrity of the reading frame.

NM_002234.4(KCNA5):c.30CGG[3] (p.Gly12dup)

Gene: KCNA5 (potassium voltage-gated channel subfamily A member 5; plus strand). Cytogenetic location: 12p13.32.
Variant type: Microsatellite.
Coding change: c.30CGG[3] on transcript NM_002234.4 (MANE Select); three copies in a row of the 3-base unit CGG starting at c.30; the reference has two copies in a row; one copy, 3 bases duplicated.
Protein change: p.Gly12dup; duplicates glycine 12.
Molecular consequence: inframe insertion.
Genome position (GRCh38, 1-based): chr12:5,044,180-5,044,182, CGG duplicated; duplicating any 3 consecutive bases within chr12:5,044,177-5,044,182 gives the same sequence; the position shown is the placement nearest the transcript's 3' end. VCF-style (leftmost placement, unchanged base first): chr12-5044176-A-ACGG. GRCh37 (hg19) VCF-style: chr12-5153342-A-ACGG.
Identifiers: ClinVar variation 1523737 (VCV001523737.8), dbSNP rs2137771010, ClinGen allele CA2580615117.